The following is an entry in ClinVar:

ClinVar aggregate classification (germline): Uncertain significance (1 of 4 stars; one submission).

Conditions:
Desbuquois dysplasia 1 (DBQD1). Also called: MICROMELIC DWARFISM WITH VERTEBRAL AND METAPHYSEAL ABNORMALITIES AND ADVANCED CARPOTARSAL OSSIFICATION; DESBUQUOIS DYSPLASIA 1, KIM VARIANT. Identifiers: Orphanet 1425, MedGen C4012146, MONDO:0009629, OMIM 251450.

Submission:

Labcorp Genetics (formerly Invitae), Labcorp
Classification: Uncertain significance for Desbuquois dysplasia 1. Last evaluated: 2025-06-02. Review status: criteria provided, single submitter. Criteria: Invitae Variant Classification Sherloc (09022015). Collection method: clinical testing. Allele origin: germline.
Comment: This sequence change replaces serine, which is neutral and polar, with asparagine, which is neutral and polar, at codon 36 of the XYLT1 protein (p.Ser36Asn). This variant is not present in population databases (gnomAD no frequency). This variant has not been reported in the literature in individuals affected with XYLT1-related conditions. ClinVar contains an entry for this variant (Variation ID: 3725526). An algorithm developed to predict the effect of missense changes on protein structure and function (PolyPhen-2) suggests that this variant is likely to be tolerated. In summary, the available evidence is currently insufficient to determine the role of this variant in disease. Therefore, it has been classified as a Variant of Uncertain Significance.

NM_022166.4(XYLT1):c.107G>A (p.Ser36Asn)

Gene: XYLT1 (xylosyltransferase 1; minus strand). Cytogenetic location: 16p12.3.
Variant type: single nucleotide variant.
Coding change: c.107G>A on transcript NM_022166.4 (MANE Select); coding-DNA position 107, G replaced by A.
Protein change: p.Ser36Asn; replaces serine 36 with asparagine.
Molecular consequence: missense variant.
Genome position (GRCh38, 1-based): chr16:17,470,690, C>T on the plus strand (G>A on the coding strand, the complement: XYLT1 is on the minus strand). VCF-style: chr16-17470690-C-T. GRCh37 (hg19) VCF-style: chr16-17564547-C-T.
Other names: short protein forms S36N.
Identifiers: ClinVar variation 3725526 (VCV003725526.2).